The following is an entry in ClinVar:

ClinVar aggregate classification (germline): Uncertain significance. Review status: criteria provided, multiple submitters, no conflicts (2 of 4 stars). 2 submissions from 2 submitters: Uncertain significance (2). Last evaluated 2026-03-30.

Submissions (2):

GeneDx
Classification: Uncertain significance. Last evaluated: 2026-03-30. Review status: criteria provided, single submitter. Criteria: GeneDx Variant Classification Process June 2021. Collection method: clinical testing. Allele origin: germline.
Comment: Not observed at significant frequency in large population cohorts (gnomAD); In silico analysis suggests that this missense variant does not alter protein structure/function; Has not been previously published as pathogenic or benign to our knowledge

CeGaT Center for Human Genetics Tuebingen
Classification: Uncertain significance. Last evaluated: 2023-10-01. Review status: criteria provided, single submitter. Criteria: CeGaT Center For Human Genetics Tuebingen Variant Classification Criteria Version 2. Collection method: clinical testing. Allele origin: germline. Affected: yes. Observed: 1 variant allele.
Comment: GABRA2: PM2, PP2

NM_000807.4(GABRA2):c.1060A>G (p.Lys354Glu)

Gene: GABRA2 (gamma-aminobutyric acid type A receptor subunit alpha2; minus strand). Cytogenetic location: 4p12.
Variant type: single nucleotide variant.
Coding change: c.1060A>G on transcript NM_000807.4 (MANE Select); coding-DNA position 1060, A replaced by G.
Protein change: p.Lys354Glu; replaces lysine 354 with glutamic acid.
Molecular consequence: missense variant.
Genome position (GRCh38, 1-based): chr4:46,250,604, T>C on the plus strand (A>G on the coding strand, the complement: GABRA2 is on the minus strand). VCF-style: chr4-46250604-T-C. GRCh37 (hg19) VCF-style: chr4-46252621-T-C.
Other names: c.1060A>G, p.Lys354Glu (NM_001114175.3, NM_001377146.1, NM_001377147.1 and 4 more transcripts); c.1075A>G, p.Lys359Glu (NM_001286827.3); c.1240A>G, p.Lys414Glu (NM_001330690.2, NM_001377144.1, NM_001377145.1); c.895A>G, p.Lys299Glu (NM_001377152.1, NM_001377153.1, NM_001377154.1); c.1060A>G (NM_001114175.1); short protein forms K299E, K354E, K359E, K414E.
Identifiers: ClinVar variation 2672990 (VCV002672990.25), dbSNP rs2475200568, ClinGen allele CA356802902.